The following is an entry in ClinVar:

NM_020975.6(RET):c.3297G>A (p.Trp1099Ter)

Gene: RET (ret proto-oncogene; plus strand). Cytogenetic location: 10q11.21.
Variant type: single nucleotide variant.
Coding change: c.3297G>A on transcript NM_020975.6 (MANE Select); coding-DNA position 3297, G replaced by A.
Protein change: p.Trp1099Ter; replaces tryptophan 1099 with a stop codon.
Molecular consequence: nonsense.
Genome position (GRCh38, 1-based): chr10:43,128,221, G>A. VCF-style: chr10-43128221-G-A. GRCh37 (hg19) VCF-style: chr10-43623669-G-A.
Other names: c.3297G>A, p.Trp1099Ter (NM_000323.2, NM_001406743.1); c.*1467G>A (NM_001355216.2, NM_001406764.1, NM_001406765.1 and 15 more transcripts); c.3237G>A, p.Trp1079Ter (NM_001406759.1, NM_001406760.1); c.3168G>A, p.Trp1056Ter (NM_001406761.1, NM_001406762.1); c.3162G>A, p.Trp1054Ter (NM_001406763.1); c.3009G>A, p.Trp1003Ter (NM_001406766.1, NM_001406767.1); c.2901G>A, p.Trp967Ter (NM_001406769.1); c.2859G>A, p.Trp953Ter (NM_001406771.1); and 7 more; short protein forms W1003*, W1056*, W1079*, W857*, W953*, W596*, W800*, W837*.
Identifiers: ClinVar variation 1729899 (VCV001729899.4), dbSNP rs2133049500, ClinGen allele CA376559190.

ClinVar aggregate classification (germline): Uncertain significance. Review status: criteria provided, multiple submitters, no conflicts (2 of 4 stars). 2 submissions from 2 submitters: Uncertain significance (2). Last evaluated 2025-01-15.

Conditions:
Multiple endocrine neoplasia, type 2 (MEN2). Identifiers: Orphanet 653, MedGen C4048306, MONDO:0019003. Disease mechanism: gain of function.
Hereditary cancer-predisposing syndrome. Also called: Neoplastic Syndromes, Hereditary; Tumor predisposition; Hereditary Cancer Syndrome; Hereditary neoplastic syndrome. Identifiers: Orphanet 140162, MedGen C0027672, MeSH D009386, MONDO:0015356.

Allele frequency attached by ClinVar (database versions not stated): gnomAD exomes 0.00001.
gnomAD v4.1: 3 of 1,614,188 alleles (0.00019%); highest among the groups gnomAD compares: Non-Finnish European, 0.00025%; no homozygotes.

Submissions (2):

Ambry Genetics
Classification: Uncertain significance for Hereditary cancer-predisposing syndrome. Last evaluated: 2025-01-15. Review status: criteria provided, single submitter. Criteria: Ambry Variant Classification Scheme 2023. Collection method: clinical testing. Allele origin: germline.
Comment: The p.W1099* variant (also known as c.3297G>A), located in coding exon 20 of the RET gene, results from a G to A substitution at nucleotide position 3297. This changes the amino acid from a tryptophan to a stop codon within coding exon 20. This alteration occurs at the 3' terminus of theRET gene, is not expected to trigger nonsense-mediated mRNAdecay, and only impacts the last 16 amino acids of the protein. The exact functional effect of this alteration is unknown. Since supporting evidence is limited at this time, the clinical significance of this alteration remains unclear.

All of Us Research Program, National Institutes of Health
Classification: Uncertain significance for Multiple endocrine neoplasia, type 2. Last evaluated: 2024-05-14. Review status: criteria provided, single submitter. Criteria: ACMG Guidelines, 2015. Collection method: clinical testing. Allele origin: germline. Inheritance: Autosomal dominant inheritance. Observed: 1 variant allele, 1 heterozygote.
Comment: This variant changes 1 nucleotide in exon 20 of the RET gene, creating a premature translation stop signal in the last coding exon. This mutant transcript is predicted to escape nonsense-mediated decay and be expressed as a truncated protein. To our knowledge, this variant has not been reported in individuals affected with RET-related disorders in the literature. This variant has not been identified in the general population by the Genome Aggregation Database (gnomAD). The available evidence is insufficient to determine the role of this variant in disease conclusively. Therefore, this variant is classified as a Variant of Uncertain Significance.

This study involves interpretation of variants in research participants for the purpose of population health screening. Participant phenotype was not available at the time of variant classification. Additional details can be found in publication PMID: 35346344, PMCID: PMC8962531